The following is an entry in ClinVar:

NM_015474.4(SAMHD1):c.49G>A (p.Asp17Asn)

Gene: SAMHD1 (SAM and HD domain containing deoxynucleoside triphosphate triphosphohydrolase 1; minus strand). Cytogenetic location: 20q11.23.
Variant type: single nucleotide variant.
Coding change: c.49G>A on transcript NM_015474.4 (MANE Select); coding-DNA position 49, G replaced by A.
Protein change: p.Asp17Asn; replaces aspartic acid 17 with asparagine.
Molecular consequence: missense variant.
Genome position (GRCh38, 1-based): chr20:36,951,595, C>T on the plus strand (G>A on the coding strand, the complement: SAMHD1 is on the minus strand). VCF-style: chr20-36951595-C-T. GRCh37 (hg19) VCF-style: chr20-35579998-C-T.
Other names: c.49G>A, p.Asp17Asn (NM_001363729.2, NM_001363733.2); short protein forms D17N.
Identifiers: ClinVar variation 1985535 (VCV001985535.4), dbSNP rs2515286369, ClinGen allele CA408833663.

ClinVar aggregate classification (germline): Uncertain significance (1 of 4 stars; one submission).

Conditions:
Aicardi-Goutieres syndrome 5. Identifiers: Orphanet 51, MedGen C2749659, MONDO:0013059, OMIM 612952.

Submission:

Labcorp Genetics (formerly Invitae), Labcorp
Classification: Uncertain significance for Aicardi-Goutieres syndrome 5. Last evaluated: 2024-04-10. Review status: criteria provided, single submitter. Criteria: Invitae Variant Classification Sherloc (09022015). Collection method: clinical testing. Allele origin: germline.
Comment: This sequence change replaces aspartic acid, which is acidic and polar, with asparagine, which is neutral and polar, at codon 17 of the SAMHD1 protein (p.Asp17Asn). This variant is not present in population databases (gnomAD no frequency). This variant has not been reported in the literature in individuals affected with SAMHD1-related conditions. ClinVar contains an entry for this variant (Variation ID: 1985535). An algorithm developed to predict the effect of missense changes on protein structure and function (PolyPhen-2) suggests that this variant is likely to be tolerated. In summary, the available evidence is currently insufficient to determine the role of this variant in disease. Therefore, it has been classified as a Variant of Uncertain Significance.